The following is an entry in ClinVar:

ClinVar aggregate classification (germline): Uncertain significance. Review status: criteria provided, multiple submitters, no conflicts (2 of 4 stars). 4 submissions from 3 submitters: Uncertain significance (4). Last evaluated 2025-06-24.

Conditions:
WDR35-related disorder. Also called: WDR35-related disorders; WDR35-related condition. Identifiers: MedGen CN239419.
Cranioectodermal dysplasia 2 (CED2). Identifiers: Orphanet 1515, MedGen C3150874, MONDO:0013323, OMIM 613610.
Short-rib thoracic dysplasia 7 with or without polydactyly (SRTD7). Also called: SHORT-RIB THORACIC DYSPLASIA 7 WITH POLYDACTYLY; Short rib polydactyly syndrome 5. Identifiers: Orphanet 498497, Orphanet 93271, MedGen C3279792, MONDO:0013569, OMIM 614091.

Allele frequency attached by ClinVar (database versions not stated): TOPMed below 0.00001; ExAC 0.00005; gnomAD exomes 0.00005.
gnomAD v4.1: 29 of 1,613,248 alleles (0.0018%); highest among the groups gnomAD compares: South Asian, 0.032%; no homozygotes.

Submissions (4):

PreventionGenetics, part of Exact Sciences
Classification: Uncertain significance for WDR35-related condition. Last evaluated: 2025-06-24. Review status: criteria provided, single submitter. Criteria: ACMG Guidelines, 2015. Collection method: clinical testing. Allele origin: germline.
Comment: The WDR35 c.2869G>A variant is predicted to result in the amino acid substitution p.Glu957Lys. To our knowledge, this variant has not been reported in the literature. This variant is reported in 0.039% of alleles in individuals of South Asian descent in gnomAD. At this time, the clinical significance of this variant is uncertain due to the absence of conclusive functional and genetic evidence.

Illumina Laboratory Services, Illumina
Classification: Uncertain significance for Cranioectodermal dysplasia 2. Last evaluated: 2018-01-13. Review status: criteria provided, single submitter. Criteria: ICSL Variant Classification Criteria 13 December 2019. Collection method: clinical testing. Allele origin: germline.

Illumina Laboratory Services, Illumina
Classification: Uncertain significance for Short-rib thoracic dysplasia 7 with or without polydactyly. Last evaluated: 2018-01-13. Review status: criteria provided, single submitter. Criteria: ICSL Variant Classification Criteria 13 December 2019. Collection method: clinical testing. Allele origin: germline.

Neuberg Centre For Genomic Medicine, NCGM
Classification: Uncertain significance for Cranioectodermal dysplasia 2. Review status: criteria provided, single submitter. Criteria: ACMG Guidelines, 2015. Collection method: clinical testing. Allele origin: germline. Inheritance: Autosomal recessive inheritance. Affected: yes.
Comment: The observed missense c.2836G>Ap.Glu946Lys variant in WDR35 gene has not been reported previously as a pathogenic variant nor as a benign variant, to our knowledge. This variant is reported with the allele frequency of 0.005% in the gnomAD Exomes. This variant has been reported to the ClinVar database as Uncertain Significance. However, no details are available for independent assessment. The amino acid Glu at position 946 is changed to a Lys changing protein sequence and it might alter its composition and physico-chemical properties. The amino acid change p.Glu946Lys in WDR35 is predicted as conserved by GERP++ and PhyloP across 100 vertebrates. Computational evidence Polyphen - Possibly Damaging, SIFT - Tolerated, and MutationTaster - Disease causing predicts conflicting evidence on protein structure and function for this variant. For these reasons, this variant has been classified as Uncertain Significance.

NM_020779.4(WDR35):c.2836G>A (p.Glu946Lys)

Gene: WDR35 (WD repeat domain 35; minus strand). Cytogenetic location: 2p24.1.
Variant type: single nucleotide variant.
Coding change: c.2836G>A on transcript NM_020779.4 (MANE Select); coding-DNA position 2836, G replaced by A.
Protein change: p.Glu946Lys; replaces glutamic acid 946 with lysine.
Molecular consequence: missense variant.
Genome position (GRCh38, 1-based): chr2:19,931,397, C>T on the plus strand (G>A on the coding strand, the complement: WDR35 is on the minus strand). VCF-style: chr2-19931397-C-T. GRCh37 (hg19) VCF-style: chr2-20131158-C-T.
Other names: c.2869G>A, p.Glu957Lys (NM_001006657.2); short protein forms E957K, E946K.
Identifiers: ClinVar variation 333376 (VCV000333376.7), dbSNP rs779009587, ClinGen allele CA1542825.